The following is an entry in ClinVar:

NM_052963.3(TOP1MT):c.961C>T (p.Leu321=)

Gene: TOP1MT (DNA topoisomerase I mitochondrial; minus strand). Cytogenetic location: 8q24.3.
Variant type: single nucleotide variant.
Coding change: c.961C>T on transcript NM_052963.3 (MANE Select); coding-DNA position 961, C replaced by T.
Protein change: p.Leu321=; no amino-acid change (leucine 321 retained).
Molecular consequence: synonymous variant.
Genome position (GRCh38, 1-based): chr8:143,321,386, G>A on the plus strand (C>T on the coding strand, the complement: TOP1MT is on the minus strand). VCF-style: chr8-143321386-G-A. GRCh37 (hg19) VCF-style: chr8-144403556-G-A.
Other names: c.667C>T, p.Leu223= (NM_001258446.1, NM_001258447.1).
Identifiers: ClinVar variation 4723925 (VCV004723925.1).

ClinVar aggregate classification (germline): Uncertain significance (1 of 4 stars; one submission).

gnomAD v4.1: 2 of 1,578,784 alleles (0.00013%); highest among the groups gnomAD compares: Non-Finnish European, 0.00017%; no homozygotes.

Submission:

Labcorp Genetics (formerly Invitae), Labcorp
Classification: Uncertain significance. Last evaluated: 2025-12-15. Review status: criteria provided, single submitter. Criteria: Invitae Variant Classification Sherloc (09022015). Collection method: clinical testing. Allele origin: germline.
Comment: This sequence change affects codon 321 of the TOP1MT mRNA. It is a 'silent' change, meaning that it does not change the encoded amino acid sequence of the TOP1MT protein. It affects a nucleotide within the consensus splice site. This variant is not present in population databases (gnomAD no frequency). This variant has not been reported in the literature in individuals affected with TOP1MT-related conditions. Algorithms developed to predict the effect of sequence changes on RNA splicing suggest that this variant is not likely to affect RNA splicing. In summary, the available evidence is currently insufficient to determine the role of this variant in disease. Therefore, it has been classified as a Variant of Uncertain Significance.